The following is an entry in ClinVar:

ClinVar aggregate classification (germline): Uncertain significance. Review status: criteria provided, multiple submitters, no conflicts (2 of 4 stars). 5 submissions from 5 submitters: Uncertain significance (5). Last evaluated 2025-08-11.

Conditions:
Inborn genetic diseases. Identifiers: MedGen C0950123, MeSH D030342.
Neuropathy, hereditary sensory and autonomic, type 2B (HSAN2B). Also called: RETREG1-Related HSAN2 (HSAN2B). Identifiers: Orphanet 970, MedGen C2751092, MONDO:0013142, OMIM 613115.

Allele frequency attached by ClinVar (database versions not stated): TOPMed 0.00005; gnomAD 0.00006; ESP Exome Variant Server 0.00009; ExAC 0.00014.
gnomAD v4.1: 81 of 1,611,530 alleles (0.005%); highest among the groups gnomAD compares: Admixed American, 0.0067%; no homozygotes.

Submissions (5):

Ambry Genetics
Classification: Uncertain significance for Inborn genetic diseases. Last evaluated: 2025-08-11. Review status: criteria provided, single submitter. Criteria: Ambry Variant Classification Scheme 2023. Collection method: clinical testing. Allele origin: germline.

GeneDx
Classification: Uncertain significance. Last evaluated: 2024-06-04. Review status: criteria provided, single submitter. Criteria: GeneDx Variant Classification Process June 2021. Collection method: clinical testing. Allele origin: germline. Affected: yes.
Comment: In silico analysis supports that this missense variant has a deleterious effect on protein structure/function; Has not been previously published as pathogenic or benign to our knowledge

Labcorp Genetics (formerly Invitae), Labcorp
Classification: Uncertain significance. Last evaluated: 2022-07-19. Review status: criteria provided, single submitter. Criteria: Invitae Variant Classification Sherloc (09022015). Collection method: clinical testing. Allele origin: germline.
Comment: This sequence change replaces arginine, which is basic and polar, with cysteine, which is neutral and slightly polar, at codon 266 of the RETREG1 protein (p.Arg266Cys). This variant is present in population databases (rs368759467, gnomAD 0.01%). This variant has not been reported in the literature in individuals affected with RETREG1-related conditions. ClinVar contains an entry for this variant (Variation ID: 352691). Algorithms developed to predict the effect of missense changes on protein structure and function output the following: SIFT: "Deleterious"; PolyPhen-2: "Benign"; Align-GVGD: "Class C0". The cysteine amino acid residue is found in multiple mammalian species, which suggests that this missense change does not adversely affect protein function. In summary, the available evidence is currently insufficient to determine the role of this variant in disease. Therefore, it has been classified as a Variant of Uncertain Significance.

ARUP Laboratories, Molecular Genetics and Genomics, ARUP Laboratories
Classification: Uncertain significance for Neuropathy, hereditary sensory and autonomic, type 2B. Last evaluated: 2018-11-20. Review status: criteria provided, single submitter. Criteria: ARUP Molecular Germline Variant Investigation Process. Collection method: clinical testing. Allele origin: germline.
Comment: The FAM134B c.796C>T; p.Arg266Cys variant (rs368759467), to our knowledge, is not reported in the medical literature but is reported in ClinVar (Variation ID: 352691). This variant is found in the general population with an overall allele frequency of 0.0093% (26/280,424 alleles) in the Genome Aggregation Database. The arginine at codon 266 is highly conserved, and computational analyses (SIFT, PolyPhen-2) predict that this variant is deleterious. Due to limited information, the clinical significance of the p.Arg266Cys variant is uncertain at this time.

Illumina Laboratory Services, Illumina
Classification: Uncertain significance for Neuropathy, hereditary sensory and autonomic, type 2B. Last evaluated: 2018-01-13. Review status: criteria provided, single submitter. Criteria: ICSL Variant Classification Criteria 13 December 2019. Collection method: clinical testing. Allele origin: germline.

NM_001034850.3(RETREG1):c.796C>T (p.Arg266Cys)

Gene: RETREG1 (reticulophagy regulator 1; minus strand). Cytogenetic location: 5p15.1.
Variant type: single nucleotide variant.
Coding change: c.796C>T on transcript NM_001034850.3 (MANE Select); coding-DNA position 796, C replaced by T.
Protein change: p.Arg266Cys; replaces arginine 266 with cysteine.
Molecular consequence: missense variant.
Genome position (GRCh38, 1-based): chr5:16,478,862, G>A on the plus strand (C>T on the coding strand, the complement: RETREG1 is on the minus strand). VCF-style: chr5-16478862-G-A. GRCh37 (hg19) VCF-style: chr5-16478971-G-A.
Other names: c.373C>T, p.Arg125Cys (NM_019000.5); short protein forms R266C, R125C.
Identifiers: ClinVar variation 352691 (VCV000352691.21), dbSNP rs368759467, ClinGen allele CA3210348.